The following is an entry in ClinVar:

NM_006030.4(CACNA2D2):c.304C>T (p.Arg102Trp)

Gene: CACNA2D2 (calcium voltage-gated channel auxiliary subunit alpha2delta 2; minus strand). Cytogenetic location: 3p21.31.
Variant type: single nucleotide variant.
Coding change: c.304C>T on transcript NM_006030.4 (MANE Select); coding-DNA position 304, C replaced by T.
Protein change: p.Arg102Trp; replaces arginine 102 with tryptophan.
Molecular consequence: missense variant.
Genome position (GRCh38, 1-based): chr3:50,434,414, G>A on the plus strand (C>T on the coding strand, the complement: CACNA2D2 is on the minus strand). VCF-style: chr3-50434414-G-A. GRCh37 (hg19) VCF-style: chr3-50471845-G-A.
Other names: c.304C>T, p.Arg102Trp (NM_001005505.3, NM_001174051.3); c.97C>T, p.Arg33Trp (NM_001291101.1); c.304C>T (NM_001174051.1); short protein forms R102W, R33W.
Identifiers: ClinVar variation 647638 (VCV000647638.8), dbSNP rs568540115, ClinGen allele CA2419259.
Genomic context (GRCh38, chr3:50,434,414, plus strand): 5'-CCCCTGCCACCTTCTCCACCAACTTCTGAGGCTCATTCTCCTGTACCTCGAACAGGTTCC[G>A]GTTGTCCTTGTAAATCTGGAAGGAAGCAGAAGCCAGGGGTGAGACCAGGTGGTCCCACGT-3'
Protein context (NP_006021.2, residues 92-112): QQLREIYKDN[Arg102Trp]NLFEVQENEP

ClinVar aggregate classification (germline): Uncertain significance. Review status: criteria provided, multiple submitters, no conflicts (2 of 4 stars). 2 submissions from 2 submitters: Uncertain significance (2). Last evaluated 2024-11-18.

Conditions:
Inborn genetic diseases. Identifiers: MedGen C0950123, MeSH D030342.
Developmental and epileptic encephalopathy. Identifiers: MedGen C5779964, MONDO:0100620.

Allele frequency attached by ClinVar (database versions not stated): gnomAD 0.00004 and 0.00005; TOPMed 0.00005; ExAC 0.00010; gnomAD exomes 0.00010; 1000 Genomes Project 0.00020; 1000 Genomes Project 30x 0.00031.

Submissions (2):

Labcorp Genetics (formerly Invitae), Labcorp
Classification: Uncertain significance for Early-infantile DEE. Last evaluated: 2024-11-18. Review status: criteria provided, single submitter. Criteria: Invitae Variant Classification Sherloc (09022015). Collection method: clinical testing. Allele origin: germline.
Comment: This sequence change replaces arginine, which is basic and polar, with tryptophan, which is neutral and slightly polar, at codon 102 of the CACNA2D2 protein (p.Arg102Trp). This variant is present in population databases (rs568540115, gnomAD 0.1%). This variant has not been reported in the literature in individuals affected with CACNA2D2-related conditions. ClinVar contains an entry for this variant (Variation ID: 647638). An algorithm developed to predict the effect of missense changes on protein structure and function (PolyPhen-2) suggests that this variant is likely to be disruptive. In summary, the available evidence is currently insufficient to determine the role of this variant in disease. Therefore, it has been classified as a Variant of Uncertain Significance.

Ambry Genetics
Classification: Uncertain significance for Inborn genetic diseases. Last evaluated: 2023-10-10. Review status: criteria provided, single submitter. Criteria: Ambry Variant Classification Scheme 2023. Collection method: clinical testing. Allele origin: germline.